The following is an entry in ClinVar:

NC_000017.11:g.(?_43099755)_(43106553_?)del

Gene: BRCA1 (BRCA1 DNA repair associated; minus strand). Cytogenetic location: 17q21.31.
Variant type: Deletion.
Identifiers: ClinVar variation 832902 (VCV000832902.3).

ClinVar aggregate classification (germline): Pathogenic (1 of 4 stars; one submission).

Conditions:
Hereditary breast ovarian cancer syndrome. Also called: Hereditary breast and/or ovarian cancer syndrome; Hereditary breast and ovarian cancer syndrome (HBOC); Breast and ovarian cancer; Hereditary breast and ovarian cancer; BRCA1- and BRCA2-Associated Hereditary Breast and Ovarian Cancer; Hereditary breast and ovarian cancer syndrome. Identifiers: Orphanet 145, MedGen C0677776, MeSH D061325, MONDO:0003582. Disease mechanism: loss of function.

Submission:

Labcorp Genetics (formerly Invitae), Labcorp
Classification: Pathogenic for Hereditary breast ovarian cancer syndrome. Last evaluated: 2023-09-01. Review status: criteria provided, single submitter. Criteria: Invitae Variant Classification Sherloc (09022015). Collection method: clinical testing. Allele origin: germline.
Comment: For these reasons, this variant has been classified as Pathogenic. This variant is also known as deletion exons 5‚Äì8. A similar copy number variant has been observed in individual(s) with personal and/or family history of breast and/or ovarian cancer (PMID: 2482513, 16715518). This variant is a gross deletion of the genomic region encompassing exon(s) 4-7 of the BRCA1 gene. This deletion is out-of-frame, and is expected to create a premature termination codon and result in an absent or disrupted protein product. Loss-of-function variants in BRCA1 are known to be pathogenic (PMID: 20104584).

Literature cited by the submitters: PubMed 2482513; PubMed 16715518; PubMed 20104584.